The following is an entry in ClinVar:

ClinVar aggregate classification (germline): Pathogenic (1 of 4 stars; one submission).

Conditions:
Biotinidase deficiency. Also called: BTD deficiency; Late-onset biotin-responsive multiple carboxylase deficiency; Biotin deficiency. Identifiers: Orphanet 79241, MedGen C0220754, MONDO:0009665, OMIM 253260.

gnomAD v4.1: 1 of 1,613,976 alleles (0.000062%); highest among the groups gnomAD compares: African/African-American, 0.0013%; no homozygotes.

Submission:

Labcorp Genetics (formerly Invitae), Labcorp
Classification: Pathogenic for Biotinidase deficiency. Last evaluated: 2023-06-02. Review status: criteria provided, single submitter. Criteria: Invitae Variant Classification Sherloc (09022015). Collection method: clinical testing. Allele origin: germline.
Comment: For these reasons, this variant has been classified as Pathogenic. This variant disrupts the p.Asp222 amino acid residue in BTD. Other variant(s) that disrupt this residue have been observed in individuals with BTD-related conditions (PMID: 22698809, 26810761), which suggests that this may be a clinically significant amino acid residue. Advanced modeling of protein sequence and biophysical properties (such as structural, functional, and spatial information, amino acid conservation, physicochemical variation, residue mobility, and thermodynamic stability) performed at Invitae indicates that this missense variant is expected to disrupt BTD protein function. This missense change has been observed in individual(s) with biotinidase deficiency (PMID: 26810761). This variant is not present in population databases (gnomAD no frequency). This sequence change replaces aspartic acid, which is acidic and polar, with histidine, which is basic and polar, at codon 222 of the BTD protein (p.Asp222His).

Literature cited by the submitters: PubMed 22698809; PubMed 26810761.

NM_001370658.1(BTD):c.604G>C (p.Asp202His)

Gene: BTD (biotinidase; plus strand). Cytogenetic location: 3p25.1.
Variant type: single nucleotide variant.
Coding change: c.604G>C on transcript NM_001370658.1 (MANE Select); coding-DNA position 604, G replaced by C.
Protein change: p.Asp202His; replaces aspartic acid 202 with histidine.
Molecular consequence: missense variant. On other transcripts: intron variant (1).
Genome position (GRCh38, 1-based): chr3:15,644,520, G>C. VCF-style: chr3-15644520-G-C. GRCh37 (hg19) VCF-style: chr3-15686027-G-C.
Other names: c.664G>C, p.Asp222His (NM_000060.4); c.604G>C, p.Asp202His (NM_001281723.4, NM_001281724.3, NM_001281725.3 and 18 more transcripts); c.399+2463G>C (NM_001370753.1); short protein forms D202H.
Identifiers: ClinVar variation 2734450 (VCV002734450.3), dbSNP rs200337373, ClinGen allele CA278366.
Genomic context (GRCh38, chr3:15,644,520, plus strand): 5'-AATAATGGAACCCTTGTTGACCGCTACCGTAAACACAACCTCTACTTTGAGGCAGCATTC[G>C]ATGTTCCTCTTAAAGTGGATCTCATCACCTTTGATACCCCCTTTGCTGGCAGGTTTGGCA-3'
Protein context (NP_001357587.1, residues 192-212): KHNLYFEAAF[Asp202His]VPLKVDLITF